The following is an entry in ClinVar:

NM_024422.6(DSC2):c.2158G>C (p.Gly720Arg)

Gene: DSC2 (desmocollin 2; minus strand). Cytogenetic location: 18q12.1.
Variant type: single nucleotide variant.
Coding change: c.2158G>C on transcript NM_024422.6 (MANE Select); coding-DNA position 2158, G replaced by C.
Protein change: p.Gly720Arg; replaces glycine 720 with arginine.
Molecular consequence: missense variant.
Genome position (GRCh38, 1-based): chr18:31,070,818, C>G on the plus strand (G>C on the coding strand, the complement: DSC2 is on the minus strand). VCF-style: chr18-31070818-C-G. GRCh37 (hg19) VCF-style: chr18-28650784-C-G.
Other names: c.2158G>C, p.Gly720Arg (NM_004949.5); short protein forms G720R.
Identifiers: ClinVar variation 920778 (VCV000920778.11), dbSNP rs1170934513, ClinGen allele CA402112533.

ClinVar aggregate classification (germline): Conflicting classifications of pathogenicity. Review status: criteria provided, conflicting classifications (1 of 4 stars). 4 submissions from 4 submitters: Uncertain significance (3); Likely benign (1). Last evaluated 2025-02-05.

Conditions:
Cardiovascular phenotype. Identifiers: MedGen CN230736.
Familial isolated arrhythmogenic right ventricular dysplasia. Identifiers: Orphanet 217656, MedGen C4274968, MONDO:0016342.
Cardiomyopathy (CMYO). Also called: Cardiomyopathies. Identifiers: Orphanet 167848, MedGen C0878544, MONDO:0004994, HP:0001638. Inheritance: Various modes of inheritance.
Arrhythmogenic right ventricular dysplasia 11. Also called: ARRHYTHMOGENIC RIGHT VENTRICULAR DYSPLASIA, FAMILIAL, 11; Arrhythmogenic Right Ventricular Dysplasia/Cardiomyopathy11; Arrhythmogenic right ventricular dysplasia 11 with mild palmoplantar keratoderma and woolly hair. Identifiers: MedGen C1864850, MONDO:0012506, OMIM 610476.

Allele frequency attached by ClinVar (database versions not stated): gnomAD 0.00001; TOPMed 0.00001.
gnomAD v4.1: 1 of 1,613,714 alleles (0.000062%); highest among the groups gnomAD compares: Non-Finnish European, 0.000085%; no homozygotes.

Submissions (4):

Labcorp Genetics (formerly Invitae), Labcorp
Classification: Uncertain significance for Arrhythmogenic right ventricular dysplasia 11. Last evaluated: 2025-02-05. Review status: criteria provided, single submitter. Criteria: Invitae Variant Classification Sherloc (09022015). Collection method: clinical testing. Allele origin: germline.
Comment: This sequence change replaces glycine, which is neutral and non-polar, with arginine, which is basic and polar, at codon 720 of the DSC2 protein (p.Gly720Arg). This variant is not present in population databases (gnomAD no frequency). This variant has not been reported in the literature in individuals affected with DSC2-related conditions. ClinVar contains an entry for this variant (Variation ID: 920778). Invitae Evidence Modeling of protein sequence and biophysical properties (such as structural, functional, and spatial information, amino acid conservation, physicochemical variation, residue mobility, and thermodynamic stability) indicates that this missense variant is not expected to disrupt DSC2 protein function with a negative predictive value of 80%. In summary, the available evidence is currently insufficient to determine the role of this variant in disease. Therefore, it has been classified as a Variant of Uncertain Significance.

All of Us Research Program, National Institutes of Health
Classification: Uncertain significance for Familial isolated arrhythmogenic right ventricular dysplasia. Last evaluated: 2024-07-20. Review status: criteria provided, single submitter. Criteria: ACMG Guidelines, 2015. Collection method: clinical testing. Allele origin: germline. Inheritance: Autosomal dominant inheritance. Observed: 6 variant alleles, 6 heterozygotes.
Comment: This missense variant replaces glycine with arginine at codon 720 of the DSC2 protein. Computational prediction suggests that this variant may not impact protein structure and function (internally defined REVEL score threshold <= 0.5, PMID: 27666373). To our knowledge, functional studies have not been reported for this variant. This variant has not been reported in individuals affected with cardiovascular disorders in the literature. This variant has not been identified in the general population by the Genome Aggregation Database (gnomAD). The available evidence is insufficient to determine the role of this variant in disease conclusively. Therefore, this variant is classified as a Variant of Uncertain Significance.

This study involves interpretation of variants in research participants for the purpose of population health screening. Participant phenotype was not available at the time of variant classification. Additional details can be found in publication PMID: 35346344, PMCID: PMC8962531

Color Diagnostics, LLC DBA Color Health
Classification: Uncertain significance for Cardiomyopathy. Last evaluated: 2024-03-06. Review status: criteria provided, single submitter. Criteria: ACMG Guidelines, 2015. Collection method: clinical testing. Allele origin: germline.
Comment: This missense variant replaces glycine with arginine at codon 720 of the DSC2 protein. Computational prediction suggests that this variant may not impact protein structure and function (internally defined REVEL score threshold <= 0.5, PMID: 27666373). To our knowledge, functional studies have not been reported for this variant. This variant has not been reported in individuals affected with DSC2-related disorders in the literature. This variant has not been identified in the general population by the Genome Aggregation Database (gnomAD). The available evidence is insufficient to determine the role of this variant in disease conclusively. Therefore, this variant is classified as a Variant of Uncertain Significance.

Ambry Genetics
Classification: Likely benign for Cardiovascular phenotype. Last evaluated: 2023-12-09. Review status: criteria provided, single submitter. Criteria: Ambry Variant Classification Scheme 2023. Collection method: clinical testing. Allele origin: germline.